The following is an entry in ClinVar:

NM_001680.5(FXYD2):c.121G>A (p.Gly41Arg)

Genes: FXYD2 (FXYD domain containing ion transport regulator 2; minus strand), FXYD6-FXYD2 (FXYD6-FXYD2 readthrough; minus strand). Cytogenetic location: 11q23.3.
Variant type: single nucleotide variant.
Coding change: c.121G>A on transcript NM_001680.5 (MANE Select); coding-DNA position 121, G replaced by A.
Protein change: p.Gly41Arg; replaces glycine 41 with arginine.
Molecular consequence: missense variant. On other transcripts: intron variant (1).
Genome position (GRCh38, 1-based): chr11:117,822,424, C>T on the plus strand (G>A on the coding strand, the complement: FXYD2 is on the minus strand). VCF-style: chr11-117822424-C-T. GRCh37 (hg19) VCF-style: chr11-117693139-C-T.
Other names: c.355G>A, p.Gly119Arg (NM_001204268.3); c.115G>A, p.Gly39Arg (NM_021603.4); c.311+255G>A (NM_001243598.4); short protein forms G41R, G39R, G119R.
Identifiers: ClinVar variation 7684 (VCV000007684.6), dbSNP rs28938168, ClinGen allele CA118996.

ClinVar aggregate classification (germline): Pathogenic. Review status: criteria provided, single submitter (1 of 4 stars). 2 submissions from 2 submitters: Pathogenic (1). 1 of the submissions does not count toward it. Last evaluated 2022-04-29.

Conditions:
Renal hypomagnesemia 2 (HOMG2). Also called: MAGNESIUM LOSS, ISOLATED RENAL. Identifiers: Orphanet 34528, MedGen C1835171, MONDO:0007937, OMIM 154020.

Submissions (2):

Labcorp Genetics (formerly Invitae), Labcorp
Classification: Pathogenic. Last evaluated: 2022-04-29. Review status: criteria provided, single submitter. Criteria: Invitae Variant Classification Sherloc (09022015). Collection method: clinical testing. Allele origin: germline.
Comment: For these reasons, this variant has been classified as Pathogenic. Experimental studies have shown that this missense change affects FXYD2 function (PMID: 11062458, 12763860). Algorithms developed to predict the effect of missense changes on protein structure and function (SIFT, PolyPhen-2, Align-GVGD) all suggest that this variant is likely to be disruptive. ClinVar contains an entry for this variant (Variation ID: 7684). This missense change has been observed in individuals with FXYD2-related conditions (PMID: 25765846; Invitae). It has also been observed to segregate with disease in related individuals. This variant is not present in population databases (gnomAD no frequency). This sequence change replaces glycine, which is neutral and non-polar, with arginine, which is basic and polar, at codon 41 of the FXYD2 protein (p.Gly41Arg).

OMIM
Classification: Pathogenic for HYPOMAGNESEMIA 2, RENAL. Last evaluated: 2015-06-01. Review status: no assertion criteria provided. Collection method: literature only. Allele origin: germline. Not counted in ClinVar's aggregate classification.

Literature cited by the submitters: PubMed 11062458 (cited by Labcorp Genetics (formerly Invitae), Labcorp); PubMed 12763860 (cited by Labcorp Genetics (formerly Invitae), Labcorp); PubMed 25765846 (cited by Labcorp Genetics (formerly Invitae), Labcorp and OMIM); PubMed 3298795 (cited by OMIM); PubMed 11929868 (cited by OMIM).